The following is an entry in ClinVar:

ClinVar aggregate classification (germline): Likely pathogenic (1 of 4 stars; one submission).

Conditions:
Oocyte maturation defect 2 (OZEMA2). Also called: OOCYTE/ZYGOTE/EMBRYO MATURATION ARREST 2. Identifiers: MedGen C4225210, MONDO:0021573, OMIM 616780.

Submission:

Division of Molecular Genetics, Fujita Health University
Classification: Likely pathogenic for Oocyte maturation defect 2. Last evaluated: 2026-01-19. Review status: criteria provided, single submitter. Criteria: ACMG Guidelines, 2015. Collection method: research. Allele origin: biparental. Inheritance: Autosomal recessive inheritance. Affected: yes. Observed: 1 homozygote.
Comment: This variant (NM_177987.3:c.404_405dupTG) is a frameshift predicted to result in a truncated protein. The variant is rare in population databases (rs782178608). Classification was made following ACMG/AMP guidelines.

Literature cited by the submitters: DOI 10.1016/j.rbmo.2025.105372.

NM_177987.3(TUBB8):c.404_405dup (p.Thr136Ter)

Gene: TUBB8 (tubulin beta 8 class VIII; minus strand). Cytogenetic location: 10p15.3.
Variant type: Duplication.
Coding change: c.404_405dup on transcript NM_177987.3 (MANE Select); coding-DNA positions 404 to 405, 2 bases duplicated (TG; older notation c.404_405dupTG).
Protein change: p.Thr136Ter; replaces threonine 136 with a stop codon.
Molecular consequence: nonsense.
Genome position (GRCh38, 1-based): chr10:47,987-47,988, CA duplicated on the plus strand (TG on the coding strand, the reverse complement: TUBB8 is on the minus strand). VCF-style (leftmost placement, unchanged base first): chr10-47986-T-TCA. GRCh37 (hg19) VCF-style: chr10-93926-T-TCA.
Other names: c.404_405dupTG (NM_177987.3); c.188_189dup, p.Thr64Ter (NM_001389618.1, NM_001389619.1); short protein forms T136*, T64*.
Identifiers: ClinVar variation 4686583 (VCV004686583.1).